The following is an entry in ClinVar:

NM_001369.3(DNAH5):c.5458G>T (p.Glu1820Ter)

Gene: DNAH5 (dynein axonemal heavy chain 5; minus strand). Cytogenetic location: 5p15.2.
Variant type: single nucleotide variant.
Coding change: c.5458G>T on transcript NM_001369.3 (MANE Select); coding-DNA position 5458, G replaced by T.
Protein change: p.Glu1820Ter; replaces glutamic acid 1820 with a stop codon.
Molecular consequence: nonsense.
Genome position (GRCh38, 1-based): chr5:13,841,718, C>A on the plus strand (G>T on the coding strand, the complement: DNAH5 is on the minus strand). VCF-style: chr5-13841718-C-A. GRCh37 (hg19) VCF-style: chr5-13841827-C-A.
Other names: short protein forms E1820*.
Identifiers: ClinVar variation 1725976 (VCV001725976.2), dbSNP rs2546910913, ClinGen allele CA359210858.
Genomic context (GRCh38, chr5:13,841,718, plus strand): 5'-TACAAAACATACTTTCAAATTTCAATACACTGACCTGAGCAGGGAAGGATGAAAGAAATT[C>A]AGTTAGTTGGAAACCTGTTTCTTGAATATTTGCGGCTGCCTGGCGAATCACAAGATGCAA-3'

ClinVar aggregate classification (germline): Likely pathogenic (1 of 4 stars; one submission).

Conditions:
Primary ciliary dyskinesia 3. Identifiers: Orphanet 244, MedGen C1837618, MONDO:0012085, OMIM 608644.

Submission:

Myriad Genetics, Inc.
Classification: Likely pathogenic for Primary ciliary dyskinesia 3. Last evaluated: 2022-04-29. Review status: criteria provided, single submitter. Criteria: Myriad Women's Health Autosomal Recessive and X-Linked Classification Criteria (2021). Collection method: clinical testing. Allele origin: unknown.
Comment: NM_001369.2(DNAH5):c.5458G>T(E1820*) is expected to be pathogenic in the context of DNAH5-related primary ciliary dyskinesia. This variant is predicted to lead to an abnormal or absent protein product due to the creation of a premature termination codon in DNAH5, a gene where loss-of-function variants are known to be pathogenic. Please note: this variant was assessed in the context of healthy population screening.